The following is an entry in ClinVar:

NM_004637.6(RAB7A):c.183A>C (p.Ile61=)

Gene: RAB7A (RAB7A, member RAS oncogene family; plus strand). Cytogenetic location: 3q21.3.
Variant type: single nucleotide variant.
Coding change: c.183A>C on transcript NM_004637.6 (MANE Select); coding-DNA position 183, A replaced by C.
Protein change: p.Ile61=; no amino-acid change (isoleucine 61 retained).
Molecular consequence: synonymous variant.
Genome position (GRCh38, 1-based): chr3:128,806,374, A>C. VCF-style: chr3-128806374-A-C. GRCh37 (hg19) VCF-style: chr3-128525217-A-C.
Identifiers: ClinVar variation 382127 (VCV000382127.12), dbSNP rs376642691, ClinGen allele CA2600796.

ClinVar aggregate classification (germline): Likely benign. Review status: criteria provided, multiple submitters, no conflicts (2 of 4 stars). 4 submissions from 4 submitters: Likely benign (4). Last evaluated 2024-03-17.

Conditions:
Inborn genetic diseases. Identifiers: MedGen C0950123, MeSH D030342.
Charcot-Marie-Tooth disease. Also called: Charcot-Marie-Tooth Neuropathy; Charcot-Marie-Tooth Hereditary Neuropathy. Identifiers: Orphanet 166, MedGen C0007959, MONDO:0015626.
Charcot-Marie-Tooth disease type 2B (CMT2B). Also called: CHARCOT-MARIE-TOOTH DISEASE, AUTOSOMAL DOMINANT, TYPE 2B; Charcot-Marie-Tooth Neuropathy Type 2B; CHARCOT-MARIE-TOOTH DISEASE, AXONAL, TYPE 2B; HEREDITARY MOTOR AND SENSORY NEUROPATHY IIB. Identifiers: Orphanet 99936, MedGen C1833219, MONDO:0010949, OMIM 600882.

Allele frequency attached by ClinVar (database versions not stated): gnomAD 0.00001 and 0.00002; gnomAD exomes 0.00003 and 0.00006; ExAC 0.00005; TOPMed 0.00005; ESP Exome Variant Server 0.00008.
gnomAD v4.1: 46 of 1,607,264 alleles (0.0029%); highest among the groups gnomAD compares: Admixed American, 0.02%; no homozygotes.

Submissions (4):

Labcorp Genetics (formerly Invitae), Labcorp
Classification: Likely benign for Charcot-Marie-Tooth disease type 2B. Last evaluated: 2024-03-17. Review status: criteria provided, single submitter. Criteria: Invitae Variant Classification Sherloc (09022015). Collection method: clinical testing. Allele origin: germline.

Ambry Genetics
Classification: Likely benign for Inborn genetic diseases. Last evaluated: 2019-07-11. Review status: criteria provided, single submitter. Criteria: Ambry Variant Classification Scheme 2023. Collection method: clinical testing. Allele origin: germline.

GeneDx
Classification: Likely benign. Last evaluated: 2015-12-22. Review status: criteria provided, single submitter. Criteria: GeneDx Variant Classification (06012015). Collection method: clinical testing. Allele origin: germline. Affected: yes.
Comment: This variant is considered likely benign or benign based on one or more of the following criteria: it is a conservative change, it occurs at a poorly conserved position in the protein, it is predicted to be benign by multiple in silico algorithms, and/or has population frequency not consistent with disease.

Molecular Genetics Laboratory, London Health Sciences Centre
Classification: Likely benign for Charcot-Marie-Tooth disease. Review status: criteria provided, single submitter. Criteria: ACMG Guidelines, 2015. Collection method: clinical testing. Allele origin: germline. Affected: yes.